The following is an entry in ClinVar:

ClinVar aggregate classification (germline): Uncertain significance (1 of 4 stars; one submission).

Conditions:
Hereditary cancer-predisposing syndrome. Also called: Neoplastic Syndromes, Hereditary; Tumor predisposition; Hereditary neoplastic syndrome; Hereditary Cancer Syndrome. Identifiers: Orphanet 140162, MedGen C0027672, MeSH D009386, MONDO:0015356.

Submission:

Ambry Genetics
Classification: Uncertain significance for Hereditary cancer-predisposing syndrome. Last evaluated: 2026-07-06. Review status: criteria provided, single submitter. Criteria: Ambry Variant Classification Scheme 2023. Collection method: clinical testing. Allele origin: germline.
Comment: The p.G327D variant (also known as c.980G>A), located in coding exon 8 of the NBN gene, results from a G to A substitution at nucleotide position 980. The glycine at codon 327 is replaced by aspartic acid, an amino acid with similar properties. This amino acid position is conserved. In addition, this alteration is predicted to be tolerated by in silico analysis. Based on the available evidence, the clinical significance of this variant remains unclear.

NM_002485.5(NBN):c.980G>A (p.Gly327Asp)

Gene: NBN (nibrin; minus strand). Cytogenetic location: 8q21.3.
Variant type: single nucleotide variant.
Coding change: c.980G>A on transcript NM_002485.5 (MANE Select); coding-DNA position 980, G replaced by A.
Protein change: p.Gly327Asp; replaces glycine 327 with aspartic acid.
Molecular consequence: missense variant.
Genome position (GRCh38, 1-based): chr8:89,964,424, C>T on the plus strand (G>A on the coding strand, the complement: NBN is on the minus strand). VCF-style: chr8-89964424-C-T. GRCh37 (hg19) VCF-style: chr8-90976652-C-T.
Other names: c.734G>A, p.Gly245Asp (NM_001024688.3, NM_001440379.1, NM_001440380.1); short protein forms G245D, G327D.
Identifiers: ClinVar variation 5025379 (VCV005025379.1).
Genomic context (GRCh38, chr8:89,964,424, plus strand): 5'-ACATAATAAAGTTGCTAACGAATCAATAAAATAATGCTTCAATTACCTGTACTGGGATGG[C>T]CCTGAGGATCACAGTAATTCTTTGTAGTCATGAAAATCACCGCCAATCCAATTTCTGCTT-3'
Protein context (NP_002476.2, residues 317-337): MTTKNYCDPQ[Gly327Asp]HPSTGLKTTT